The following is an entry in ClinVar:

NM_021942.6(TRAPPC11):c.660+16C>T

Gene: TRAPPC11 (trafficking protein particle complex subunit 11; plus strand). Cytogenetic location: 4q35.1.
Variant type: single nucleotide variant.
Coding change: c.660+16C>T on transcript NM_021942.6 (MANE Select); 16 bases into the intron after coding-DNA position 660, C replaced by T.
Molecular consequence: intron variant.
Genome position (GRCh38, 1-based): chr4:183,674,828, C>T. VCF-style: chr4-183674828-C-T. GRCh37 (hg19) VCF-style: chr4-184595981-C-T.
Other names: c.660+16C>T (NM_199053.3).
Identifiers: ClinVar variation 2143892 (VCV002143892.4), dbSNP rs1260131766, ClinGen allele CA792089595.

ClinVar aggregate classification (germline): Uncertain significance (1 of 4 stars; one submission).

Conditions:
Autosomal recessive limb-girdle muscular dystrophy type R18 (LGMDR18). Also called: Limb-girdle muscular dystrophy, type 2S; MUSCULAR DYSTROPHY, LIMB-GIRDLE, AUTOSOMAL RECESSIVE 18; Autosomal recessive limb-girdle muscular dystrophy type 2S. Identifiers: Orphanet 369840, MedGen C4517996, MONDO:0014144, OMIM 615356.

Allele frequency attached by ClinVar (database versions not stated): gnomAD exomes below 0.00001; gnomAD 0.00001; TOPMed 0.00001.
gnomAD v4.1: 6 of 1,460,394 alleles (0.00041%); highest among the groups gnomAD compares: African/African-American, 0.0086%; no homozygotes.

Submission:

Labcorp Genetics (formerly Invitae), Labcorp
Classification: Uncertain significance for Autosomal recessive limb-girdle muscular dystrophy type R18. Last evaluated: 2023-08-30. Review status: criteria provided, single submitter. Criteria: Invitae Variant Classification Sherloc (09022015). Collection method: clinical testing. Allele origin: germline.
Comment: This sequence change falls in intron 6 of the TRAPPC11 gene. It does not directly change the encoded amino acid sequence of the TRAPPC11 protein. This variant is not present in population databases (gnomAD no frequency). In summary, the available evidence is currently insufficient to determine the role of this variant in disease. Therefore, it has been classified as a Variant of Uncertain Significance. Algorithms developed to predict the effect of sequence changes on RNA splicing suggest that this variant may disrupt the consensus splice site. ClinVar contains an entry for this variant (Variation ID: 2143892). This variant has not been reported in the literature in individuals affected with TRAPPC11-related conditions.